The following is an entry in ClinVar:

NM_198129.4(LAMA3):c.7990del (p.Leu2664fs)

Gene: LAMA3 (laminin subunit alpha 3; plus strand). Cytogenetic location: 18q11.2.
Variant type: Deletion.
Coding change: c.7990del on transcript NM_198129.4 (MANE Select); coding-DNA position 7990, one base deleted (C; older notation c.7990delC).
Protein change: p.Leu2664fs; shifts the reading frame from leucine 2664.
Molecular consequence: frameshift variant.
Genome position (GRCh38, 1-based): chr18:23,921,001, C deleted. VCF-style (leftmost placement, unchanged base first): chr18-23921000-GC-G. GRCh37 (hg19) VCF-style: chr18-21500964-GC-G.
Other names: c.3163del, p.Leu1055fs (NM_000227.6); c.7822del, p.Leu2608fs (NM_001127717.4); c.2995del, p.Leu999fs (NM_001127718.4); short protein forms L1055fs, L2664fs, L999fs, L2608fs.
Identifiers: ClinVar variation 2827229 (VCV002827229.3), dbSNP rs2511501679, ClinGen allele CA2739268599.

ClinVar aggregate classification (germline): Pathogenic (1 of 4 stars; one submission).

Submission:

Labcorp Genetics (formerly Invitae), Labcorp
Classification: Pathogenic. Last evaluated: 2023-01-09. Review status: criteria provided, single submitter. Criteria: Invitae Variant Classification Sherloc (09022015). Collection method: clinical testing. Allele origin: germline.
Comment: For these reasons, this variant has been classified as Pathogenic. This variant has not been reported in the literature in individuals affected with LAMA3-related conditions. This variant is not present in population databases (gnomAD no frequency). This sequence change creates a premature translational stop signal (p.Leu1055Tyrfs*11) in the LAMA3 gene. It is expected to result in an absent or disrupted protein product. Loss-of-function variants in LAMA3 are known to be pathogenic (PMID: 10366601, 11810295, 12915477, 16473856, 17362460, 22434185, 23869449, 27827380, 28087116).

Literature cited by the submitters: PubMed 10366601; PubMed 11810295; PubMed 12915477; PubMed 16473856; PubMed 17362460; PubMed 22434185; PubMed 23869449; PubMed 27827380; PubMed 28087116.